The following is an entry in ClinVar:

NM_000531.6(OTC):c.614T>A (p.Met205Lys)

Gene: OTC (ornithine transcarbamylase; plus strand). Cytogenetic location: Xp11.4.
Variant type: single nucleotide variant.
Coding change: c.614T>A on transcript NM_000531.6 (MANE Select); coding-DNA position 614, T replaced by A.
Protein change: p.Met205Lys; replaces methionine 205 with lysine.
Molecular consequence: missense variant.
Genome position (GRCh38, 1-based): chrX:38,403,691, T>A. VCF-style: chrX-38403691-T-A. GRCh37 (hg19) VCF-style: chrX-38262944-T-A.
Other names: short protein forms M205K.
Identifiers: ClinVar variation 863271 (VCV000863271.10), dbSNP rs2068501940, ClinGen allele CA412725662.
Genomic context (GRCh38, chrX:38,403,691, plus strand): 5'-CTCTGAAAGGTCTTACCCTCAGCTGGATCGGGGATGGGAACAATATCCTGCACTCCATCA[T>A]GATGAGCGCAGCGAAATTCGGAATGCACCTTCAGGCAGCTACTCCAAAGGTAGGGAAACT-3'
Protein context (NP_000522.3, residues 195-215): GDGNNILHSI[Met205Lys]MSAAKFGMHL

ClinVar aggregate classification (germline): Likely pathogenic (1 of 4 stars; one submission).

Conditions:
Ornithine carbamoyltransferase deficiency (OTCD). Also called: ORNITHINE TRANSCARBAMYLASE DEFICIENCY; ORNITHINE TRANSCARBAMYLASE DEFICIENCY, HYPERAMMONEMIA DUE TO; OTC DEFICIENCY; Ornithine Carbamoyltransferase Deficiency Disease. Identifiers: Orphanet 664, MedGen C0268542, MONDO:0010703, OMIM 311250.

Submission:

Labcorp Genetics (formerly Invitae), Labcorp
Classification: Likely pathogenic for Ornithine carbamoyltransferase deficiency. Last evaluated: 2022-11-29. Review status: criteria provided, single submitter. Criteria: Invitae Variant Classification Sherloc (09022015). Collection method: clinical testing. Allele origin: germline.
Comment: This variant disrupts the p.Met205 amino acid residue in OTC. Other variant(s) that disrupt this residue have been determined to be pathogenic (PMID: 9610619, 11117428; Invitae). This suggests that this residue is clinically significant, and that variants that disrupt this residue are likely to be disease-causing. In summary, the currently available evidence indicates that the variant is pathogenic, but additional data are needed to prove that conclusively. Therefore, this variant has been classified as Likely Pathogenic. This sequence change replaces methionine, which is neutral and non-polar, with lysine, which is basic and polar, at codon 205 of the OTC protein (p.Met205Lys). This variant is not present in population databases (gnomAD no frequency). This missense change has been observed in individual(s) with OTC-related conditions (Invitae). ClinVar contains an entry for this variant (Variation ID: 863271). Advanced modeling of protein sequence and biophysical properties (such as structural, functional, and spatial information, amino acid conservation, physicochemical variation, residue mobility, and thermodynamic stability) performed at Invitae indicates that this missense variant is expected to disrupt OTC protein function.

Literature cited by the submitters: PubMed 9610619; PubMed 11117428.